The following is an entry in ClinVar:

ClinVar aggregate classification (germline): Uncertain significance. Review status: criteria provided, multiple submitters, no conflicts (2 of 4 stars). 3 submissions from 3 submitters: Uncertain significance (3). Last evaluated 2025-08-19.

Conditions:
Developmental and epileptic encephalopathy, 18 (DEE18). Also called: Early infantile epileptic encephalopathy 18. Identifiers: Orphanet 369894, MedGen C3809624, MONDO:0014201, OMIM 615476.

Allele frequency attached by ClinVar (database versions not stated): ExAC 0.00001; gnomAD exomes 0.00001; gnomAD 0.00002.
gnomAD v4.1: 9 of 1,608,424 alleles (0.00056%); highest among the groups gnomAD compares: Admixed American, 0.0068%; no homozygotes.

Submissions (3):

GeneDx
Classification: Uncertain significance. Last evaluated: 2025-08-19. Review status: criteria provided, single submitter. Criteria: GeneDx Variant Classification Process June 2021. Collection method: clinical testing. Allele origin: germline. Affected: yes.
Comment: Not observed at significant frequency in large population cohorts (gnomAD); In silico analysis suggests that this missense variant does not alter protein structure/function; Has not been previously published as pathogenic or benign to our knowledge

Labcorp Genetics (formerly Invitae), Labcorp
Classification: Uncertain significance. Last evaluated: 2024-10-09. Review status: criteria provided, single submitter. Criteria: Invitae Variant Classification Sherloc (09022015). Collection method: clinical testing. Allele origin: germline.
Comment: This sequence change replaces threonine, which is neutral and polar, with alanine, which is neutral and non-polar, at codon 2365 of the SZT2 protein (p.Thr2365Ala). This variant is present in population databases (rs748133903, gnomAD 0.009%). This variant has not been reported in the literature in individuals affected with SZT2-related conditions. ClinVar contains an entry for this variant (Variation ID: 1305934). Invitae Evidence Modeling of protein sequence and biophysical properties (such as structural, functional, and spatial information, amino acid conservation, physicochemical variation, residue mobility, and thermodynamic stability) indicates that this missense variant is not expected to disrupt SZT2 protein function with a negative predictive value of 80%. In summary, the available evidence is currently insufficient to determine the role of this variant in disease. Therefore, it has been classified as a Variant of Uncertain Significance.

Genome-Nilou Lab
Classification: Uncertain significance for Developmental and epileptic encephalopathy, 18. Last evaluated: 2023-04-11. Review status: criteria provided, single submitter. Criteria: ACMG Guidelines, 2015. Collection method: clinical testing. Allele origin: germline. Affected: no.

NM_001365999.1(SZT2):c.7264A>G (p.Thr2422Ala)

Gene: SZT2 (SZT2 subunit of KICSTOR complex; plus strand). Cytogenetic location: 1p34.2.
Variant type: single nucleotide variant.
Coding change: c.7264A>G on transcript NM_001365999.1 (MANE Select); coding-DNA position 7264, A replaced by G.
Protein change: p.Thr2422Ala; replaces threonine 2422 with alanine.
Molecular consequence: missense variant.
Genome position (GRCh38, 1-based): chr1:43,440,506, A>G. VCF-style: chr1-43440506-A-G. GRCh37 (hg19) VCF-style: chr1-43906177-A-G.
Other names: c.7093A>G, p.Thr2365Ala (NM_015284.4); short protein forms T2365A, T2422A.
Identifiers: ClinVar variation 1305934 (VCV001305934.8), dbSNP rs748133903, ClinGen allele CA810171.